The following is an entry in ClinVar:

NM_000202.8(IDS):c.684A>G (p.Pro228=)

Genes: IDS (iduronate 2-sulfatase; minus strand), LOC106050102 (IDS recombination region; plus strand). Cytogenetic location: Xq28.
Variant type: single nucleotide variant.
Coding change: c.684A>G on transcript NM_000202.8 (MANE Select); coding-DNA position 684, A replaced by G.
Protein change: p.Pro228=; no amino-acid change (proline 228 retained).
Molecular consequence: synonymous variant. On other transcripts: non-coding transcript variant (1).
Genome position (GRCh38, 1-based): chrX:149,498,131, T>C on the plus strand (A>G on the coding strand, the complement: IDS is on the minus strand). VCF-style: chrX-149498131-T-C. GRCh37 (hg19) VCF-style: chrX-148579662-T-C.
Other names: c.684A>G (NM_000202.5); c.414A>G, p.Pro138= (NM_001166550.4); c.684A>G, p.Pro228= (NM_006123.5).
Identifiers: ClinVar variation 725382 (VCV000725382.16), dbSNP rs782561677, ClinGen allele CA10537627.
Genomic context (GRCh38, chrX:149,498,131, plus strand): 5'-CAGCTGTGCTGGATCAGCCCTCAACCAGCTCTTCACCTTGGGGTATCTGAAGGGGATGTG[T>C]GGCTTATGATACCCAACGGCCAGGAAGAAAGGACTGGCTGACGTTTTCATCTTTTCCAAC-3'
Protein context (NP_000193.1, residues 218-238): PFFLAVGYHK[Pro228=]HIPFRYPKEF

ClinVar aggregate classification (germline): Conflicting classifications of pathogenicity. Review status: criteria provided, conflicting classifications (1 of 4 stars). 5 submissions from 5 submitters: Uncertain significance (1); Benign (1); Likely benign (1). 2 of the submissions do not count toward it. Last evaluated 2025-12-23.

Conditions:
Inborn genetic diseases. Identifiers: MedGen C0950123, MeSH D030342.
Mucopolysaccharidosis, MPS-III-A (MPS3A). Also called: MUCOPOLYSACCHARIDOSIS, TYPE IIIA, ATTENUATED; HEPARAN SULFATE SULFATASE DEFICIENCY; SANFILIPPO SYNDROME A; SULFAMIDASE DEFICIENCY; Mucopolysaccharidosis, type IIIA; MPS III A. Identifiers: Orphanet 581, Orphanet 79269, MedGen C0086647, MONDO:0009655, OMIM 252900.
Mucopolysaccharidosis, MPS-II (MPS2). Also called: IDS deficiency; Sulfoiduronate sulfatase deficiency; SIDS deficiency; Mucopolysaccharidosis with skin involvement; Attenuated MPS (subtype; formerly known as mild MPS II); Severe MPS II. Identifiers: Orphanet 580, Orphanet 79388, MedGen C0026705, MONDO:0010674, OMIM 309900.

Allele frequency attached by ClinVar (database versions not stated): gnomAD exomes 0.00002 and 0.00009; ExAC 0.00011; gnomAD 0.00003; TOPMed 0.00006.
gnomAD v4.1: 29 of 1,209,051 alleles (0.0024%); highest among the groups gnomAD compares: East Asian, 0.083%; no homozygotes.

Submissions (5):

Labcorp Genetics (formerly Invitae), Labcorp
Classification: Benign for Mucopolysaccharidosis, MPS-II. Last evaluated: 2025-12-23. Review status: criteria provided, single submitter. Criteria: Invitae Variant Classification Sherloc (09022015). Collection method: clinical testing. Allele origin: germline.

Revvity Omics, Revvity
Classification: Uncertain significance for Mucopolysaccharidosis, MPS-II. Last evaluated: 2024-08-27. Review status: criteria provided, single submitter. Criteria: ACMG Guidelines, 2015. Collection method: clinical testing. Allele origin: germline.

Ambry Genetics
Classification: Likely benign for Inborn genetic diseases. Last evaluated: 2018-02-14. Review status: criteria provided, single submitter. Criteria: Ambry Variant Classification Scheme 2023. Collection method: clinical testing. Allele origin: germline.

Natera, Inc.
Classification: Likely benign for Mucopolysaccharidosis type IIIA. Last evaluated: 2021-02-05. Review status: no assertion criteria provided. Collection method: clinical testing. Allele origin: germline. Not counted in ClinVar's aggregate classification.

Laboratory of Diagnosis and Therapy of Lysosomal Disorders, University of Padova
Classification: Likely pathogenic for Mucopolysaccharidosis, MPS-II. Last evaluated: 2024-06-07. Review status: flagged submission. Criteria: ACMG Guidelines, 2015. Collection method: literature only. Allele origin: germline. Affected: yes. Observed: 1 variant allele. Not counted in ClinVar's aggregate classification.
Comment: Absent from controls (or at low frequency) in gnomAD database (PM2_Moderate), Patient’s phenotype or family history highly specific for the disease (PP4_Strong)

Classification method: ACMG Guidelines [PMID:25741868] with modifications
ClinVar note: Reason: Outlier claim with insufficient supporting evidence

Literature cited by the submitters: PubMed 19573456 (cited by Ambry Genetics and Laboratory of Diagnosis and Therapy of Lysosomal Disorders, University of Padova).